The following is an entry in ClinVar:

NM_175872.5(ZNF792):c.1587C>T (p.Thr529=)

Gene: ZNF792 (zinc finger protein 792; minus strand). Cytogenetic location: 19q13.11.
Variant type: single nucleotide variant.
Coding change: c.1587C>T on transcript NM_175872.5 (MANE Select); coding-DNA position 1587, C replaced by T.
Protein change: p.Thr529=; no amino-acid change (threonine 529 retained).
Molecular consequence: synonymous variant.
Genome position (GRCh38, 1-based): chr19:34,958,268, G>A on the plus strand (C>T on the coding strand, the complement: ZNF792 is on the minus strand). VCF-style: chr19-34958268-G-A. GRCh37 (hg19) VCF-style: chr19-35449172-G-A.
Identifiers: ClinVar variation 2649711 (VCV002649711.24), dbSNP rs117362457, ClinGen allele CA9370600.

ClinVar aggregate classification (germline): Likely benign (1 of 4 stars; one submission).

Allele frequency attached by ClinVar (database versions not stated): 1000 Genomes Project 0.00240; 1000 Genomes Project 30x 0.00312; ExAC 0.00478; gnomAD 0.00514; ESP Exome Variant Server 0.00546; gnomAD exomes 0.00639.

Submission:

CeGaT Center for Human Genetics Tuebingen
Classification: Likely benign. Last evaluated: 2023-01-01. Review status: criteria provided, single submitter. Criteria: CeGaT Center For Human Genetics Tuebingen Variant Classification Criteria Version 2. Collection method: clinical testing. Allele origin: germline. Affected: yes. Observed: 1 variant allele.
Comment: ZNF792: BP4, BP7, BS2